The following is an entry in ClinVar:

NM_005477.3(HCN4):c.2650C>G (p.Pro884Ala)

Gene: HCN4 (hyperpolarization activated cyclic nucleotide gated potassium channel 4; minus strand). Cytogenetic location: 15q24.1.
Variant type: single nucleotide variant.
Coding change: c.2650C>G on transcript NM_005477.3 (MANE Select); coding-DNA position 2650, C replaced by G.
Protein change: p.Pro884Ala; replaces proline 884 with alanine.
Molecular consequence: missense variant.
Genome position (GRCh38, 1-based): chr15:73,323,443, G>C on the plus strand (C>G on the coding strand, the complement: HCN4 is on the minus strand). VCF-style: chr15-73323443-G-C. GRCh37 (hg19) VCF-style: chr15-73615784-G-C.
Other names: c.2650C>G (NM_005477.2); short protein forms P884A.
Identifiers: ClinVar variation 1398932 (VCV001398932.8), dbSNP rs745819208, ClinGen allele CA272664429.

ClinVar aggregate classification (germline): Conflicting classifications of pathogenicity. Review status: criteria provided, conflicting classifications (1 of 4 stars). 3 submissions from 3 submitters: Uncertain significance (2); Likely benign (1). Last evaluated 2025-10-08.

Conditions:
Cardiovascular phenotype. Identifiers: MedGen CN230736.
Brugada syndrome 8 (BRGDA8). Identifiers: Orphanet 130, MedGen C2751083, MONDO:0013148, OMIM 613123.

gnomAD v4.1: 10 of 1,609,300 alleles (0.00062%); highest among the groups gnomAD compares: Non-Finnish European, 0.00085%; no homozygotes.

Submissions (3):

Labcorp Genetics (formerly Invitae), Labcorp
Classification: Uncertain significance for Brugada syndrome 8. Last evaluated: 2025-10-08. Review status: criteria provided, single submitter. Criteria: Invitae Variant Classification Sherloc (09022015). Collection method: clinical testing. Allele origin: germline.
Comment: This sequence change replaces proline, which is neutral and non-polar, with alanine, which is neutral and non-polar, at codon 884 of the HCN4 protein (p.Pro884Ala). This variant is present in population databases (no rsID available, gnomAD 0.007%). This variant has not been reported in the literature in individuals affected with HCN4-related conditions. ClinVar contains an entry for this variant (Variation ID: 1398932). Invitae Evidence Modeling of protein sequence and biophysical properties (such as structural, functional, and spatial information, amino acid conservation, physicochemical variation, residue mobility, and thermodynamic stability) indicates that this missense variant is not expected to disrupt HCN4 protein function with a negative predictive value of 95%. In summary, the available evidence is currently insufficient to determine the role of this variant in disease. Therefore, it has been classified as a Variant of Uncertain Significance.

Blueprint Genetics
Classification: Likely benign. Last evaluated: 2023-11-14. Review status: criteria provided, single submitter. Criteria: ACMG Guidelines, 2015. Collection method: clinical testing. Allele origin: germline.

Ambry Genetics
Classification: Uncertain significance for Cardiovascular phenotype. Last evaluated: 2023-11-06. Review status: criteria provided, single submitter. Criteria: Ambry Variant Classification Scheme 2023. Collection method: clinical testing. Allele origin: germline.
Comment: The p.P884A variant (also known as c.2650C>G), located in coding exon 8 of the HCN4 gene, results from a C to G substitution at nucleotide position 2650. The proline at codon 884 is replaced by alanine, an amino acid with highly similar properties. This amino acid position is conserved. In addition, this alteration is predicted to be tolerated by in silico analysis. Since supporting evidence is limited at this time, the clinical significance of this alteration remains unclear.